The following is an entry in ClinVar:

ClinVar aggregate classification (germline): Benign/Likely benign. Review status: criteria provided, multiple submitters, no conflicts (2 of 4 stars). 3 submissions from 3 submitters: Benign (2); Likely benign (1). Last evaluated 2026-05-01.

Allele frequency attached by ClinVar (database versions not stated): ExAC 0.00637; gnomAD exomes 0.00709 and 0.00591; 1000 Genomes Project 0.00339; 1000 Genomes Project 30x 0.00359; ESP Exome Variant Server 0.00484; TOPMed 0.00490; gnomAD 0.00559 and 0.00581.
gnomAD v4.1: 11,161 of 1,614,128 alleles (0.69%); highest among the groups gnomAD compares: Non-Finnish European, 0.78%; 48 homozygotes.

Submissions (3):

CeGaT Center for Human Genetics Tuebingen
Classification: Likely benign. Last evaluated: 2026-05-01. Review status: criteria provided, single submitter. Criteria: CeGaT Center For Human Genetics Tuebingen Variant Classification Criteria Version 2. Collection method: clinical testing. Allele origin: germline. Affected: yes. Observed: 12 variant alleles.
Comment: SVIL: BP4, BP7, BS2

Labcorp Genetics (formerly Invitae), Labcorp
Classification: Benign. Last evaluated: 2018-03-06. Review status: criteria provided, single submitter. Criteria: Invitae Variant Classification Sherloc (09022015). Collection method: clinical testing. Allele origin: germline.

Breakthrough Genomics
Classification: Benign. Review status: criteria provided, single submitter. Criteria: ACMG Guidelines, 2015. Collection method: not provided. Allele origin: germline. Inheritance: Autosomal recessive inheritance. Affected: yes.

NM_021738.3(SVIL):c.6213C>T (p.Ser2071=)

Genes: SVIL (supervillin; minus strand), SVIL-AS1 (SVIL antisense RNA 1; plus strand). Cytogenetic location: 10p11.23.
Variant type: single nucleotide variant.
Coding change: c.6213C>T on transcript NM_021738.3 (MANE Select); coding-DNA position 6213, C replaced by T.
Protein change: p.Ser2071=; no amino-acid change (serine 2071 retained).
Molecular consequence: synonymous variant.
Genome position (GRCh38, 1-based): chr10:29,463,556, G>A on the plus strand (C>T on the coding strand, the complement: SVIL is on the minus strand). VCF-style: chr10-29463556-G-A. GRCh37 (hg19) VCF-style: chr10-29752485-G-A.
Other names: c.5283C>T, p.Ser1761= (NM_001323599.2); c.5031C>T, p.Ser1677= (NM_001323600.1); c.4935C>T, p.Ser1645= (NM_003174.3).
Identifiers: ClinVar variation 782288 (VCV000782288.27), dbSNP rs56022643, ClinGen allele CA5455931.